The following is an entry in ClinVar:

NM_003998.4(NFKB1):c.2548C>T (p.Arg850Trp)

Gene: NFKB1 (nuclear factor kappa B subunit 1; plus strand). Cytogenetic location: 4q24.
Variant type: single nucleotide variant.
Coding change: c.2548C>T on transcript NM_003998.4 (MANE Select); coding-DNA position 2548, C replaced by T.
Protein change: p.Arg850Trp; replaces arginine 850 with tryptophan.
Molecular consequence: missense variant.
Genome position (GRCh38, 1-based): chr4:102,612,562, C>T. VCF-style: chr4-102612562-C-T. GRCh37 (hg19) VCF-style: chr4-103533719-C-T.
Other names: p.Arg850Trp; c.2548C>T, p.Arg850Trp (LRG_1316t1); c.2545C>T, p.Arg849Trp (NM_001165412.2, NM_001319226.2); c.2548C>T (NM_003998.3); short protein forms R850W, R849W.
Identifiers: ClinVar variation 624019 (VCV000624019.50), dbSNP rs747643116, ClinGen allele CA3026453.

ClinVar aggregate classification (germline): Uncertain significance. Review status: criteria provided, multiple submitters, no conflicts (2 of 4 stars). 5 submissions from 5 submitters: Uncertain significance (5). Last evaluated 2025-05-13.

Conditions:
NFKB1-related disorder. Also called: NFKB1-related condition.

Allele frequency attached by ClinVar (database versions not stated): gnomAD 0.00007 and 0.00008; ExAC 0.00006; gnomAD exomes 0.00008 and 0.00010; TOPMed 0.00009.
gnomAD v4.1: 162 of 1,613,814 alleles (0.01%); highest among the groups gnomAD compares: Non-Finnish European, 0.013%; no homozygotes.

Submissions (5):

PreventionGenetics, part of Exact Sciences
Classification: Uncertain significance for NFKB1-related condition. Last evaluated: 2025-05-13. Review status: criteria provided, single submitter. Criteria: ACMG Guidelines, 2015. Collection method: clinical testing. Allele origin: germline.
Comment: The NFKB1 c.2548C>T variant is predicted to result in the amino acid substitution p.Arg850Trp. To our knowledge, this variant has not been reported in the literature. This variant is reported in 0.018% of alleles in individuals of European (Non-Finnish) descent in gnomAD. Although we suspect that this variant may be benign, at this time, the clinical significance of this variant is uncertain due to the absence of conclusive functional and genetic evidence.

GeneDx
Classification: Uncertain significance. Last evaluated: 2025-02-07. Review status: criteria provided, single submitter. Criteria: GeneDx Variant Classification Process June 2021. Collection method: clinical testing. Allele origin: germline. Affected: yes.
Comment: In silico analysis supports that this missense variant has a deleterious effect on protein structure/function; Has not been previously published in association with an NFKB1-related disorder to our knowledge; This variant is associated with the following publications: (PMID: 31020811, 29477724)

Labcorp Genetics (formerly Invitae), Labcorp
Classification: Uncertain significance. Last evaluated: 2024-12-07. Review status: criteria provided, single submitter. Criteria: Invitae Variant Classification Sherloc (09022015). Collection method: clinical testing. Allele origin: germline.
Comment: This sequence change replaces arginine, which is basic and polar, with tryptophan, which is neutral and slightly polar, at codon 850 of the NFKB1 protein (p.Arg850Trp). This variant is present in population databases (rs747643116, gnomAD 0.02%). This variant has not been reported in the literature in individuals affected with NFKB1-related conditions. ClinVar contains an entry for this variant (Variation ID: 624019). Invitae Evidence Modeling of protein sequence and biophysical properties (such as structural, functional, and spatial information, amino acid conservation, physicochemical variation, residue mobility, and thermodynamic stability) indicates that this missense variant is not expected to disrupt NFKB1 protein function with a negative predictive value of 80%. In summary, the available evidence is currently insufficient to determine the role of this variant in disease. Therefore, it has been classified as a Variant of Uncertain Significance.

Mayo Clinic Laboratories, Mayo Clinic
Classification: Uncertain significance. Last evaluated: 2024-04-02. Review status: criteria provided, single submitter. Criteria: ACMG Guidelines, 2015. Collection method: clinical testing. Allele origin: germline. Observed: 1 variant allele.
Comment: PP2

CeGaT Center for Human Genetics Tuebingen
Classification: Uncertain significance. Last evaluated: 2018-08-01. Review status: criteria provided, single submitter. Criteria: CeGaT Center For Human Genetics Tuebingen Variant Classification Criteria Version 2. Collection method: clinical testing. Allele origin: germline. Affected: yes. Observed: 1 variant allele.

Literature cited by the submitters: PubMed 29477724 (cited by Mayo Clinic Laboratories, Mayo Clinic); PubMed 31020811 (cited by Mayo Clinic Laboratories, Mayo Clinic).